The following is an entry in ClinVar:

ClinVar aggregate classification (germline): Uncertain significance (1 of 4 stars; one submission).

Conditions:
Encephalopathy, acute, infection-induced (herpes-specific), susceptibility to, 1. Also called: Herpes simplex encephalitis, susceptibility to, 1. Identifiers: Orphanet 1930, MedGen C2750180, MONDO:0024563, OMIM 610551.

Submission:

Labcorp Genetics (formerly Invitae), Labcorp
Classification: Uncertain significance for Encephalopathy, acute, infection-induced (herpes-specific), susceptibility to, 1. Last evaluated: 2025-11-23. Review status: criteria provided, single submitter. Criteria: Invitae Variant Classification Sherloc (09022015). Collection method: clinical testing. Allele origin: germline.
Comment: This sequence change affects codon 302 of the UNC93B1 mRNA. It is a 'silent' change, meaning that it does not change the encoded amino acid sequence of the UNC93B1 protein. This variant also falls at the last nucleotide of exon 7, which is part of the consensus splice site for this exon. This variant is not present in population databases (gnomAD no frequency). This variant has not been reported in the literature in individuals affected with UNC93B1-related conditions. Variants that disrupt the consensus splice site are a relatively common cause of aberrant splicing (PMID: 17576681, 9536098). Algorithms developed to predict the effect of sequence changes on RNA splicing suggest that this variant may disrupt the consensus splice site. In summary, the available evidence is currently insufficient to determine the role of this variant in disease. Therefore, it has been classified as a Variant of Uncertain Significance.

Literature cited by the submitters: PubMed 17576681; PubMed 9536098.

NM_030930.4(UNC93B1):c.906G>T (p.Leu302=)

Gene: UNC93B1 (unc-93B1 regulator of TLR signaling; minus strand). Cytogenetic location: 11q13.2.
Variant type: single nucleotide variant.
Coding change: c.906G>T on transcript NM_030930.4 (MANE Select); coding-DNA position 906, G replaced by T.
Protein change: p.Leu302=; no amino-acid change (leucine 302 retained).
Molecular consequence: synonymous variant.
Genome position (GRCh38, 1-based): chr11:67,997,675, C>A on the plus strand (G>T on the coding strand, the complement: UNC93B1 is on the minus strand). VCF-style: chr11-67997675-C-A. GRCh37 (hg19) VCF-style: chr11-67765146-C-A.
Identifiers: ClinVar variation 4731769 (VCV004731769.1).